The following is an entry in ClinVar:

ClinVar aggregate classification (germline): Uncertain significance (1 of 4 stars; one submission).

Allele frequency attached by ClinVar (database versions not stated): gnomAD 0.00001; TOPMed 0.00001.
gnomAD v4.1: 12 of 1,613,958 alleles (0.00074%); highest among the groups gnomAD compares: Middle Eastern, 0.016%; no homozygotes.

Submission:

Labcorp Genetics (formerly Invitae), Labcorp
Classification: Uncertain significance. Last evaluated: 2023-07-18. Review status: criteria provided, single submitter. Criteria: Invitae Variant Classification Sherloc (09022015). Collection method: clinical testing. Allele origin: germline.
Comment: Advanced modeling of protein sequence and biophysical properties (such as structural, functional, and spatial information, amino acid conservation, physicochemical variation, residue mobility, and thermodynamic stability) performed at Invitae indicates that this missense variant is not expected to disrupt FBN3 protein function. This variant has not been reported in the literature in individuals affected with FBN3-related conditions. This variant is not present in population databases (gnomAD no frequency). This sequence change replaces threonine, which is neutral and polar, with alanine, which is neutral and non-polar, at codon 1824 of the FBN3 protein (p.Thr1824Ala). In summary, the available evidence is currently insufficient to determine the role of this variant in disease. Therefore, it has been classified as a Variant of Uncertain Significance.

NM_032447.5(FBN3):c.5470A>G (p.Thr1824Ala)

Gene: FBN3 (fibrillin 3; minus strand). Cytogenetic location: 19p13.2.
Variant type: single nucleotide variant.
Coding change: c.5470A>G on transcript NM_032447.5 (MANE Select); coding-DNA position 5470, A replaced by G.
Protein change: p.Thr1824Ala; replaces threonine 1824 with alanine.
Molecular consequence: missense variant.
Genome position (GRCh38, 1-based): chr19:8,096,513, T>C on the plus strand (A>G on the coding strand, the complement: FBN3 is on the minus strand). VCF-style: chr19-8096513-T-C. GRCh37 (hg19) VCF-style: chr19-8161397-T-C.
Other names: c.5470A>G, p.Thr1824Ala (NM_001321431.2); short protein forms T1824A.
Identifiers: ClinVar variation 3009042 (VCV003009042.3), dbSNP rs1599329129, ClinGen allele CA403728258.